The following is an entry in ClinVar:

NM_000039.3(APOA1):c.220T>C (p.Trp74Arg)

Genes: APOA1 (apolipoprotein A1; minus strand), APOA1-AS (APOA1 antisense RNA; plus strand). Cytogenetic location: 11q23.3.
Variant type: single nucleotide variant.
Coding change: c.220T>C on transcript NM_000039.3 (MANE Select); coding-DNA position 220, T replaced by C.
Protein change: p.Trp74Arg; replaces tryptophan 74 with arginine.
Molecular consequence: missense variant.
Genome position (GRCh38, 1-based): chr11:116,836,392, A>G on the plus strand (T>C on the coding strand, the complement: APOA1 is on the minus strand). VCF-style: chr11-116836392-A-G. GRCh37 (hg19) VCF-style: chr11-116707108-A-G.
Other names: W50R; c.220T>C, p.Trp74Arg (NM_001318017.2, NM_001318018.2); c.-108T>C (NM_001318021.2); short protein forms W74R.
Identifiers: ClinVar variation 17928 (VCV000017928.5), dbSNP rs121912726, ClinGen allele CA127577.

ClinVar aggregate classification (germline): Pathogenic. Review status: criteria provided, single submitter (1 of 4 stars). 2 submissions from 2 submitters: Pathogenic (1). 1 of the submissions does not count toward it. Last evaluated 2025-03-31.

Conditions:
Familial amyloid polyneuropathy, Iowa type (AMYLD3). Also called: AMYLOIDOSIS, HEREDITARY SYSTEMIC 3; AMYLOIDOSIS, IOWA TYPE; AMYLOIDOSIS, VAN ALLEN TYPE; AMYLOIDOSIS, TYPE III; AMYLOIDOSIS, TYPE IV; Familial amyloid polyneuropathy type III. Identifiers: MedGen C4551500, MONDO:0971008, OMIM 620657.

Submissions (2):

Labcorp Genetics (formerly Invitae), Labcorp
Classification: Pathogenic. Last evaluated: 2025-03-31. Review status: criteria provided, single submitter. Criteria: Invitae Variant Classification Sherloc (09022015). Collection method: clinical testing. Allele origin: germline.
Comment: This sequence change replaces tryptophan, which is neutral and slightly polar, with arginine, which is basic and polar, at codon 74 of the APOA1 protein (p.Trp74Arg). This variant is not present in population databases (gnomAD no frequency). This missense change has been observed in individuals with autosomal dominant systemic amyloidosis (PMID: 7493166, 26299174, 27240838, 28953655, 31870425). This variant is also known as p.Trp50Arg. ClinVar contains an entry for this variant (Variation ID: 17928). Invitae Evidence Modeling of protein sequence and biophysical properties (such as structural, functional, and spatial information, amino acid conservation, physicochemical variation, residue mobility, and thermodynamic stability) has been performed for this missense variant. However, the output from this modeling did not meet the statistical confidence thresholds required to predict the impact of this variant on APOA1 protein function. Experimental studies have shown that this missense change affects APOA1 function (PMID: 21296086, 24702826). For these reasons, this variant has been classified as Pathogenic.

OMIM
Classification: Pathogenic for AMYLOIDOSIS, HEREDITARY SYSTEMIC 3. Last evaluated: 1996-06-15. Review status: no assertion criteria provided. Collection method: literature only. Allele origin: germline. Not counted in ClinVar's aggregate classification.

Literature cited by the submitters: PubMed 7493166 (cited by Labcorp Genetics (formerly Invitae), Labcorp); PubMed 26299174 (cited by Labcorp Genetics (formerly Invitae), Labcorp); PubMed 27240838 (cited by Labcorp Genetics (formerly Invitae), Labcorp); PubMed 28953655 (cited by Labcorp Genetics (formerly Invitae), Labcorp); PubMed 31870425 (cited by Labcorp Genetics (formerly Invitae), Labcorp); PubMed 21296086 (cited by Labcorp Genetics (formerly Invitae), Labcorp); PubMed 24702826 (cited by Labcorp Genetics (formerly Invitae), Labcorp); PubMed 8675681 (cited by OMIM).